The following is an entry in ClinVar:

ClinVar aggregate classification (germline): Uncertain significance (1 of 4 stars; one submission).

Submission:

CeGaT Center for Human Genetics Tuebingen
Classification: Uncertain significance. Last evaluated: 2026-02-01. Review status: criteria provided, single submitter. Criteria: CeGaT Center For Human Genetics Tuebingen Variant Classification Criteria Version 2. Collection method: clinical testing. Allele origin: germline. Affected: yes. Observed: 1 variant allele.
Comment: NF1: PM2

NM_001042492.3(NF1):c.5439G>A (p.Met1813Ile)

Gene: NF1 (neurofibromin 1; plus strand). Cytogenetic location: 17q11.2.
Variant type: single nucleotide variant.
Coding change: c.5439G>A on transcript NM_001042492.3 (MANE Select); coding-DNA position 5439, G replaced by A.
Protein change: p.Met1813Ile; replaces methionine 1813 with isoleucine.
Molecular consequence: missense variant.
Genome position (GRCh38, 1-based): chr17:31,327,669, G>A. VCF-style: chr17-31327669-G-A. GRCh37 (hg19) VCF-style: chr17-29654687-G-A.
Other names: c.5376G>A, p.Met1792Ile (NM_000267.4); short protein forms M1792I, M1813I.
Identifiers: ClinVar variation 4823355 (VCV004823355.4).
Genomic context (GRCh38, chr17:31,327,669, plus strand): 5'-AGTAGATGAGAACCAGTTCACCTTAACCATTGCAAACCAGGGCACGCCGCTCACCTTCAT[G>A]CACCAGGAGTGTGAAGCCATTGTCCAGTCTATCATTCATATCCGGACCCGCTGGGAACTG-3'
Protein context (NP_001035957.1, residues 1803-1823): IANQGTPLTF[Met1813Ile]HQECEAIVQS